The following is an entry in ClinVar:

ClinVar aggregate classification (germline): Uncertain significance (1 of 4 stars; one submission).

Conditions:
CHD2-related disorder. Also called: CHD2-related condition.

Submission:

PreventionGenetics, part of Exact Sciences
Classification: Uncertain significance for CHD2-related condition. Last evaluated: 2023-07-19. Review status: criteria provided, single submitter. Criteria: ACMG Guidelines, 2015. Collection method: clinical testing. Allele origin: germline.
Comment: The CHD2 c.4001G>A variant is predicted to result in the amino acid substitution p.Gly1334Glu. To our knowledge, this variant has not been reported in the literature or in a large population database, indicating this variant is rare. At this time, the clinical significance of this variant is uncertain due to the absence of conclusive functional and genetic evidence.

NM_001271.4(CHD2):c.4001G>A (p.Gly1334Glu)

Gene: CHD2 (chromodomain helicase DNA binding protein 2; plus strand). Cytogenetic location: 15q26.1.
Variant type: single nucleotide variant.
Coding change: c.4001G>A on transcript NM_001271.4 (MANE Select); coding-DNA position 4001, G replaced by A.
Protein change: p.Gly1334Glu; replaces glycine 1334 with glutamic acid.
Molecular consequence: missense variant.
Genome position (GRCh38, 1-based): chr15:92,998,614, G>A. VCF-style: chr15-92998614-G-A. GRCh37 (hg19) VCF-style: chr15-93541844-G-A.
Other names: short protein forms G1334E.
Identifiers: ClinVar variation 2632471 (VCV002632471.1), dbSNP rs2505594085, ClinGen allele CA393899887.